The following is an entry in ClinVar:

NM_000327.4(ROM1):c.331G>T (p.Gly111Trp)

Gene: ROM1 (retinal outer segment membrane protein 1; plus strand). Cytogenetic location: 11q12.3.
Variant type: single nucleotide variant.
Coding change: c.331G>T on transcript NM_000327.4 (MANE Select); coding-DNA position 331, G replaced by T.
Protein change: p.Gly111Trp; replaces glycine 111 with tryptophan.
Molecular consequence: missense variant.
Genome position (GRCh38, 1-based): chr11:62,613,612, G>T. VCF-style: chr11-62613612-G-T. GRCh37 (hg19) VCF-style: chr11-62381084-G-T.
Other names: short protein forms G111W.
Identifiers: ClinVar variation 942568 (VCV000942568.8), dbSNP rs753452550, ClinGen allele CA6049708.

ClinVar aggregate classification (germline): Uncertain significance. Review status: criteria provided, multiple submitters, no conflicts (2 of 4 stars). 2 submissions from 2 submitters: Uncertain significance (2). Last evaluated 2026-01-26.

Conditions:
Retinal dystrophy. Also called: Inherited retinal dystrophy. Identifiers: Orphanet 71862, MedGen C0854723, MeSH D058499, MONDO:0019118, HP:0000556.

Allele frequency attached by ClinVar (database versions not stated): gnomAD 0.00003 and 0.00004; TOPMed 0.00003; ExAC 0.00004.
gnomAD v4.1: 42 of 1,595,286 alleles (0.0026%); highest among the groups gnomAD compares: Admixed American, 0.014%; no homozygotes.

Submissions (2):

Labcorp Genetics (formerly Invitae), Labcorp
Classification: Uncertain significance. Last evaluated: 2026-01-26. Review status: criteria provided, single submitter. Criteria: Invitae Variant Classification Sherloc (09022015). Collection method: clinical testing. Allele origin: germline.
Comment: This sequence change replaces glycine, which is neutral and non-polar, with tryptophan, which is neutral and slightly polar, at codon 111 of the ROM1 protein (p.Gly111Trp). This variant is present in population databases (rs753452550, gnomAD 0.02%). This variant has not been reported in the literature in individuals affected with ROM1-related conditions. ClinVar contains an entry for this variant (Variation ID: 942568). Invitae Evidence Modeling of protein sequence and biophysical properties (such as structural, functional, and spatial information, amino acid conservation, physicochemical variation, residue mobility, and thermodynamic stability) indicates that this missense variant is not expected to disrupt ROM1 protein function with a negative predictive value of 80%. In summary, the available evidence is currently insufficient to determine the role of this variant in disease. Therefore, it has been classified as a Variant of Uncertain Significance.

Dept Of Ophthalmology, Nagoya University
Classification: Uncertain significance for Retinal dystrophy. Last evaluated: 2023-10-01. Review status: criteria provided, single submitter. Criteria: Submitter's publication. Collection method: research. Allele origin: germline. Affected: yes.